The following is an entry in ClinVar:

NM_013432.5(TONSL):c.2192G>A (p.Arg731Gln)

Genes: TONSL (tonsoku like, DNA repair protein; minus strand), TONSL-AS1 (TONSL antisense RNA 1; plus strand). Cytogenetic location: 8q24.3.
Variant type: single nucleotide variant.
Coding change: c.2192G>A on transcript NM_013432.5 (MANE Select); coding-DNA position 2192, G replaced by A.
Protein change: p.Arg731Gln; replaces arginine 731 with glutamine.
Molecular consequence: missense variant.
Genome position (GRCh38, 1-based): chr8:144,436,241, C>T on the plus strand (G>A on the coding strand, the complement: TONSL is on the minus strand). VCF-style: chr8-144436241-C-T. GRCh37 (hg19) VCF-style: chr8-145661624-C-T.
Other names: short protein forms R731Q.
Identifiers: ClinVar variation 2359399 (VCV002359399.5), dbSNP rs1359672145, ClinGen allele CA372657088.

ClinVar aggregate classification (germline): Uncertain significance. Review status: criteria provided, multiple submitters, no conflicts (2 of 4 stars). 2 submissions from 2 submitters: Uncertain significance (2). Last evaluated 2025-08-25.

Conditions:
Inborn genetic diseases. Identifiers: MedGen C0950123, MeSH D030342.

Allele frequency attached by ClinVar (database versions not stated): gnomAD 0.00001; gnomAD exomes 0.00001; TOPMed 0.00001.
gnomAD v4.1: 14 of 1,544,536 alleles (0.00091%); highest among the groups gnomAD compares: African/African-American, 0.0041%; no homozygotes.

Submissions (2):

Ambry Genetics
Classification: Uncertain significance for Inborn genetic diseases. Last evaluated: 2025-08-25. Review status: criteria provided, single submitter. Criteria: Ambry Variant Classification Scheme 2023. Collection method: clinical testing. Allele origin: germline.

Labcorp Genetics (formerly Invitae), Labcorp
Classification: Uncertain significance. Last evaluated: 2024-10-07. Review status: criteria provided, single submitter. Criteria: Invitae Variant Classification Sherloc (09022015). Collection method: clinical testing. Allele origin: germline.
Comment: This sequence change replaces arginine, which is basic and polar, with glutamine, which is neutral and polar, at codon 731 of the TONSL protein (p.Arg731Gln). This variant is not present in population databases (gnomAD no frequency). This variant has not been reported in the literature in individuals affected with TONSL-related conditions. ClinVar contains an entry for this variant (Variation ID: 2359399). Invitae Evidence Modeling of protein sequence and biophysical properties (such as structural, functional, and spatial information, amino acid conservation, physicochemical variation, residue mobility, and thermodynamic stability) indicates that this missense variant is expected to disrupt TONSL protein function with a positive predictive value of 80%. In summary, the available evidence is currently insufficient to determine the role of this variant in disease. Therefore, it has been classified as a Variant of Uncertain Significance.